The following is an entry in ClinVar:

ClinVar aggregate classification (germline): Pathogenic. Review status: reviewed by expert panel (3 of 4 stars). 11 submissions from 11 submitters: Pathogenic (1). 10 of the submissions do not count toward it. Last evaluated 2022-06-03.

Conditions:
GAA-related disorders.
Glycogen storage disease. Also called: glycogen storage disorder; Disorder of glycogen metabolism. Identifiers: Orphanet 79201, MedGen C0017919, MONDO:0002412.
Glycogen storage disease, type II (IOPD). Also called: CARDIOMEGALIA GLYCOGENICA DIFFUSA; GLYCOGENOSIS, GENERALIZED, CARDIAC FORM; GSD II; Glucosidase acid-1,4-alpha deficiency; Glycogen storage disease type 2; Acid maltase deficiency disease. Identifiers: Orphanet 365, MedGen C0017921, MONDO:0009290, OMIM 232300.

Allele frequency attached by ClinVar (database versions not stated): gnomAD exomes 0.00002 and 0.00003; ExAC 0.00004.
gnomAD v4.1: 9 of 1,593,858 alleles (0.00056%); highest among the groups gnomAD compares: East Asian, 0.021%; no homozygotes.

Submissions 1 to 6 of 11:

ClinGen Lysosomal Storage Disorder Variant Curation Expert Panel
Classification: Pathogenic for Glycogen storage disease, type II. Last evaluated: 2022-06-03. Review status: reviewed by expert panel. Criteria: clingen_lsd_acmg_specifications_v2-1. Collection method: curation. Allele origin: germline. Inheritance: Autosomal recessive inheritance.
Comment: The NM_000152.5:c.1316T>A variant in GAA is a missense variant predicted to cause substitution of methionine by lysine at amino acid 439 (p.Met439Lys). At least 14 patients have been reported with this variant and features consistent with Pompe disease. This includes 7 patients with documented laboratory values showing deficiency of GAA activity, below the reference range for normal activity in leukocytes (PMIDs: 17092519, 21940687, 23884227, 25388776, 28433475, 30360039), some of whom are also reported to have histological features of Pompe disease in muscle (PMID: 20202878, 30894207), and/or documented features of infantile onset Pompe disease including muscle weakness and cardiomyoapthy (PMID: 33344388) and/or on enzyme replacement therapy (PMID: 30894207, 31193175) (PP4_Moderate). Note that pseudodeficiency variants, (p.Gly576Ser and p.Glu689Lys) were confirmed to be absent in at least one of these cases (PMID 28433475). Of these patients, 7 are compound heterozygous for the variant and a variant classified as pathogenic or likely pathogenic by the ClinGen LSD VCEP including c.1798C>T (p.Arg600Cys) (PMID: 20202878; phase unknown, 0.5 points), c.2238G>C (p.Trp746Cys) (PMID: 30894207, confirmed in trans, 1 point) (PMID: 25388776, unknown phase, 0.5 points), c.546G>T (PMID: 28433475, unknown phase, 0.5 points), c.2407_2413del (p.Gln803Ter) (PMID: 23884227, unknown phase, 0.5 points), and c.1579_1580del (p.Arg527GlyfsTer3) (PMID: 30360039, phase unknown, 0.5 points), and c.1225dup (PMID: 29869463; phase unknown, 0.25 points); and one patient is homozygous (PMID: 29124014) (0.5 points). Total 4.25 points (PM3_VeryStrong). Additional patients have been reported who are compound heterozygous for the variant and c.796C>T (p.Pro266Ser) (PMID: 17092519, 29044175, 31850350), c.1225dup (PMID: 29869463), and c.1309C>T (p.Arg437Cys) (PMID: 25388776) but the allelic data from these patients will be used in the assessment of the second variant and is not included here to avoid circular logic. Additional data was not included due to uncertainty about the nomenclature of the second variant (PMIDs: 20202878, 21940687). The highest population minor allele frequency in gnomAD is 0.00038 (6/15644 alleles) in the East Asian population, which is lower than the ClinGen LSD VCEP threshold (<0.001) for PM2_Supporting, meeting this criterion. When expressed in COS cells the variant has <2% normal activity and does not show mature GAA protein on western blot (PMID 19862843) (PM3_Moderate). The computational predictor REVEL gives a score of 0.784 which is above the threshold of 0.7, evidence that correlates with impact to GAA function (PP3). There is a ClinVar entry for this variant (Variation ID: 371305, 2 star review status) with 3 submitters classifying the variant as pathogenic and 4 as likely pathogenic. In summary, this variant meets the criteria to be classified as pathogenic for Pompe disease. GAA-specific ACMG-AMP criteria met, as specified by the ClinGen LSD VCEP (Specifications version 2): PM3_VeryStrong, PP4_Moderate, PS3_Moderate, PP3, PM2_Supporting. Classification approved by the ClinGen LSD VCEP on May 16, 2022.

Genomenon, Inc
Classification: Pathogenic for Glycogen storage disease, type II. Last evaluated: 2026-07-01. Review status: criteria provided, single submitter. Criteria: Genomenon Sequence Variant Interpretation Standards - Updated. Collection method: curation. Allele origin: germline. Affected: yes. Not counted in ClinVar's aggregate classification.
Comment: GAA p.Met439Lys (c.1316T>A) is a missense variant that changes the amino acid at codon 439 from Methionine to Lysine. This variant has been observed in at least one proband with a GAA-related disorder in the compound heterozygous and/or homozygous state (PMID:37087815;33344388;31193175;30894207;21940687;29044175;28433475;17092519;20202878;23884227). At least one functional study has demonstrated a substantial alteration in protein function relative to the wild-type (PMID:19862843). It is absent or not present at a significant frequency in gnomAD. In silico models predict that this variant is possibly or probably damaging. In conclusion, we classify GAA p.Met439Lys (c.1316T>A) as a pathogenic variant.

3billion
Classification: Pathogenic for Glycogen storage disease, type II. Last evaluated: 2025-10-31. Review status: criteria provided, single submitter. Criteria: ACMG Guidelines, 2015. Collection method: clinical testing. Allele origin: germline. Affected: yes. Not counted in ClinVar's aggregate classification.
Comment: The variant is observed at an extremely low frequency in the gnomAD v4.1.0 dataset (total allele frequency: <0.001%). Predicted Consequence/Location: Missense variant Functional studies provide moderate evidence of the variant having a damaging effect on the gene or gene product (PMID: 19862843). In silico tool predictions suggest damaging effect of the variant on gene or gene product [REVEL: 0.78 (>=0.6, sensitivity 0.68 and specificity 0.92]. The same nucleotide change resulting in the same amino acid change has been previously reported as pathogenic/likely pathogenic with strong evidence (ClinVar ID: VCV000371305 /PMID: 17092519 /3billion dataset). The variant has been reported to be in trans with a pathogenic variant as either compound heterozygous or homozygous in at least one similarly affected unrelated individual (PMID: 30894207). Therefore, this variant is classified as Pathogenic according to the recommendation of ACMG/AMP guideline.

Natera, Inc.
Classification: Pathogenic for Glycogen storage disease type II. Last evaluated: 2025-07-28. Review status: criteria provided, single submitter. Criteria: Natera Variant Classification Schema (03/2026). Collection method: clinical testing. Allele origin: germline. Not counted in ClinVar's aggregate classification.
Comment: The c.1316T>A variant in GAA is a missense variant predicted to cause substitution of methionine to lysine at amino acid 439. This variant is rare in the general population with a frequency below the threshold expected for the associated phenotype(s). This variant has been observed in one or more individuals affected with the associated recessive disease, as either homozygous or compound heterozygous with a second variant (PMID: 30360039, 28433475, 25388776). Additionally, this variant has been observed to segregate in affected family members (PMID: 25388776). Computational prediction algorithms indicate this variant is likely to affect gene or protein function. Given the available evidence, this variant is classified as Pathogenic.

Revvity Omics, Revvity
Classification: Pathogenic. Last evaluated: 2025-07-17. Review status: criteria provided, single submitter. Criteria: ACMG Guidelines, 2015. Collection method: clinical testing. Allele origin: germline. Not counted in ClinVar's aggregate classification.

Labcorp Genetics (formerly Invitae), Labcorp
Classification: Pathogenic for Glycogen storage disease, type II. Last evaluated: 2025-03-11. Review status: criteria provided, single submitter. Criteria: Invitae Variant Classification Sherloc (09022015). Collection method: clinical testing. Allele origin: germline. Not counted in ClinVar's aggregate classification.
Comment: This sequence change replaces methionine, which is neutral and non-polar, with lysine, which is basic and polar, at codon 439 of the GAA protein (p.Met439Lys). This variant is present in population databases (rs747610090, gnomAD 0.04%). This missense change has been observed in individual(s) with Pompe disease (PMID: 17092519, 20202878, 23884227, 25213570, 29124014). ClinVar contains an entry for this variant (Variation ID: 371305). Invitae Evidence Modeling of protein sequence and biophysical properties (such as structural, functional, and spatial information, amino acid conservation, physicochemical variation, residue mobility, and thermodynamic stability) has been performed for this missense variant. However, the output from this modeling did not meet the statistical confidence thresholds required to predict the impact of this variant on GAA protein function. Experimental studies have shown that this missense change affects GAA function (PMID: 19862843). For these reasons, this variant has been classified as Pathogenic.

NM_000152.5(GAA):c.1316T>A (p.Met439Lys)

Gene: GAA (alpha glucosidase; plus strand). Cytogenetic location: 17q25.3.
Variant type: single nucleotide variant.
Coding change: c.1316T>A on transcript NM_000152.5 (MANE Select); coding-DNA position 1316, T replaced by A.
Protein change: p.Met439Lys; replaces methionine 439 with lysine.
Molecular consequence: missense variant.
Genome position (GRCh38, 1-based): chr17:80,108,818, T>A. VCF-style: chr17-80108818-T-A. GRCh37 (hg19) VCF-style: chr17-78082617-T-A.
Other names: c.1316T>A, p.Met439Lys (NM_001079803.3, NM_001079804.3); short protein forms M439K.
Identifiers: ClinVar variation 371305 (VCV000371305.35), dbSNP rs747610090, ClinGen allele CA8815258.
Genomic context (GRCh38, chr17:80,108,818, plus strand): 5'-ATGGCTTCCGGGACTTCCCGGCCATGGTGCAGGAGCTGCACCAGGGCGGCCGGCGCTACA[T>A]GATGATCGTGGTGTGTGCCCCCACACTGTGGGTCTTTGGGAAGGGGGCCGCCCGGTGCCC-3'
Protein context (NP_000143.2, residues 429-449): QELHQGGRRY[Met439Lys]MIVDPAISSS